The following is an entry in ClinVar:

ClinVar aggregate classification (germline): Uncertain significance. Review status: criteria provided, multiple submitters, no conflicts (2 of 4 stars). 5 submissions from 5 submitters: Uncertain significance (4). 1 of the submissions does not count toward it. Last evaluated 2024-12-17.

Conditions:
Hereditary cancer-predisposing syndrome. Also called: Neoplastic Syndromes, Hereditary; Hereditary Cancer Syndrome; Tumor predisposition; Hereditary neoplastic syndrome. Identifiers: Orphanet 140162, MedGen C0027672, MeSH D009386, MONDO:0015356.
Ataxia-telangiectasia syndrome (AT). Also called: LOUIS-BAR SYNDROME; Cerebello-oculocutaneous telangiectasia; Immunodeficiency with ataxia telangiectasia; Ataxia-telangiectasia, complementation group D; AT, COMPLEMENTATION GROUP C; Ataxia-telangiectasia, complementation group E. Identifiers: Orphanet 100, MedGen C0004135, MONDO:0008840, OMIM 208900.

Allele frequency attached by ClinVar (database versions not stated): gnomAD exomes below 0.00001; TOPMed below 0.00001.
gnomAD v4.1: 2 of 1,610,506 alleles (0.00012%); highest among the groups gnomAD compares: Non-Finnish European, 0.000085%; no homozygotes.

Submissions (5):

Color Diagnostics, LLC DBA Color Health
Classification: Uncertain significance for Hereditary cancer-predisposing syndrome. Last evaluated: 2024-12-17. Review status: criteria provided, single submitter. Criteria: ACMG Guidelines, 2015. Collection method: clinical testing. Allele origin: germline.
Comment: This missense variant replaces isoleucine with methionine at codon 2260 of the ATM protein. Computational prediction suggests that this variant may not impact protein structure and function. To our knowledge, functional studies have not been reported for this variant. In a large international case-control meta analysis, this variant was reported in 1/60466 breast cancer cases and 2/53461 controls (OR=0.442, 95%CI 0.04 to 4.876, p-value=0.603; PMID: 33471991). This variant has not been identified in the general population by the Genome Aggregation Database (gnomAD). The available evidence is insufficient to determine the role of this variant in disease conclusively. Therefore, this variant is classified as a Variant of Uncertain Significance.

Labcorp Genetics (formerly Invitae), Labcorp
Classification: Uncertain significance for Ataxia-telangiectasia syndrome. Last evaluated: 2024-10-31. Review status: criteria provided, single submitter. Criteria: Invitae Variant Classification Sherloc (09022015). Collection method: clinical testing. Allele origin: germline.
Comment: This sequence change replaces isoleucine, which is neutral and non-polar, with methionine, which is neutral and non-polar, at codon 2260 of the ATM protein (p.Ile2260Met). This variant is not present in population databases (gnomAD no frequency). This variant has not been reported in the literature in individuals affected with ATM-related conditions. ClinVar contains an entry for this variant (Variation ID: 482671). Invitae Evidence Modeling of protein sequence and biophysical properties (such as structural, functional, and spatial information, amino acid conservation, physicochemical variation, residue mobility, and thermodynamic stability) indicates that this missense variant is not expected to disrupt ATM protein function with a negative predictive value of 95%. In summary, the available evidence is currently insufficient to determine the role of this variant in disease. Therefore, it has been classified as a Variant of Uncertain Significance.

Ambry Genetics
Classification: Uncertain significance for Hereditary cancer-predisposing syndrome. Last evaluated: 2023-12-02. Review status: criteria provided, single submitter. Criteria: Ambry Variant Classification Scheme 2023. Collection method: clinical testing. Allele origin: germline.
Comment: The p.I2260M variant (also known as c.6780A>G), located in coding exon 45 of the ATM gene, results from an A to G substitution at nucleotide position 6780. The isoleucine at codon 2260 is replaced by methionine, an amino acid with highly similar properties. This amino acid position is poorly conserved in available vertebrate species. In addition, this alteration is predicted to be tolerated by in silico analysis. Since supporting evidence is limited at this time, the clinical significance of this alteration remains unclear.

GeneDx
Classification: Uncertain significance. Last evaluated: 2021-05-06. Review status: criteria provided, single submitter. Criteria: GeneDx Variant Classification Process June 2021. Collection method: clinical testing. Allele origin: germline. Affected: yes.
Comment: Has not been previously published as pathogenic or benign to our knowledge; Not observed in large population cohorts (Lek 2016); In silico analysis supports that this missense variant does not alter protein structure/function

Department of Pathology and Laboratory Medicine, Sinai Health System
Classification: Uncertain significance. Review status: no assertion criteria provided. Collection method: clinical testing. Allele origin: unknown. Affected: yes. Observed: 1 variant allele. Study: The Canadian Open Genetics Repository (COGR). Not counted in ClinVar's aggregate classification.
Comment: The ATM p.Ile2260Met variant was not identified in the literature nor was it identified in the dbSNP, ClinVar, Genesight-COGR, Cosmic, MutDB, and LOVD 3.0 databases. The variant was not identified in the following control databases: the 1000 Genomes Project, the NHLBI GO Exome Sequencing Project, and the Exome Aggregation Consortium (August 8th 2016), or the Genome Aggregation Database (Feb 27, 2017). The p.Ile2260 residue is not conserved in mammals and four out of five computational analyses (PolyPhen-2, SIFT, AlignGVGD, BLOSUM, MutationTaster) do not suggest a high likelihood of impact to the protein; however, this information is not predictive enough to rule out pathogenicity. The variant occurs outside of the splicing consensus sequence and in silico or computational prediction software programs (SpliceSiteFinder, MaxEntScan, NNSPLICE, GeneSplicer, HumanSpliceFinder) do not predict a difference in splicing. In summary, based on the above information, the clinical significance of this variant cannot be determined with certainty at this time. This variant is classified as a variant of uncertain significance.

NM_000051.4(ATM):c.6780A>G (p.Ile2260Met)

Genes: ATM (ATM serine/threonine kinase; plus strand), C11orf65 (chromosome 11 open reading frame 65; minus strand). Cytogenetic location: 11q22.3.
Variant type: single nucleotide variant.
Coding change: c.6780A>G on transcript NM_000051.4 (MANE Select); coding-DNA position 6780, A replaced by G.
Protein change: p.Ile2260Met; replaces isoleucine 2260 with methionine.
Molecular consequence: missense variant. On other transcripts: intron variant (2).
Genome position (GRCh38, 1-based): chr11:108,325,517, A>G. VCF-style: chr11-108325517-A-G. GRCh37 (hg19) VCF-style: chr11-108196244-A-G.
Other names: c.6780A>G, p.Ile2260Met (NM_001351834.2); c.641-16446T>C (NM_001330368.2); c.*38+9703T>C (NM_001351110.2); short protein forms I2260M.
Identifiers: ClinVar variation 482671 (VCV000482671.12), dbSNP rs1555119325, ClinGen allele CA382555458.